The following is an entry in ClinVar:

NM_020631.6(PLEKHG5):c.150-13C>T

Gene: PLEKHG5 (pleckstrin homology and RhoGEF domain containing G5; minus strand). Cytogenetic location: 1p36.31.
Variant type: single nucleotide variant.
Coding change: c.150-13C>T on transcript NM_020631.6 (MANE Select); 13 bases into the intron before coding-DNA position 150, C replaced by T.
Molecular consequence: intron variant.
Genome position (GRCh38, 1-based): chr1:6,475,535, G>A on the plus strand (C>T on the coding strand, the complement: PLEKHG5 is on the minus strand). VCF-style: chr1-6475535-G-A. GRCh37 (hg19) VCF-style: chr1-6535595-G-A.
Other names: c.150-13C>T (NM_198681.4, NM_001265594.3, NM_001042664.2 and 1 more transcripts); c.261-13C>T (NM_001042663.3, NM_001265592.2); c.357-13C>T (NM_001265593.2).
Identifiers: ClinVar variation 389779 (VCV000389779.9), dbSNP rs373087396, ClinGen allele CA561968.

ClinVar aggregate classification (germline): Likely benign. Review status: criteria provided, multiple submitters, no conflicts (2 of 4 stars). 2 submissions from 2 submitters: Likely benign (2). Last evaluated 2024-07-06.

Conditions:
Neuronopathy, distal hereditary motor, autosomal recessive 4. Also called: Autosomal recessive lower motor neuron disease with childhood onset; NEUROPATHY, DISTAL HEREDITARY MOTOR, AUTOSOMAL RECESSIVE 4. Identifiers: Orphanet 206580, MedGen C1970211, MONDO:0012608, OMIM 611067.
Charcot-Marie-Tooth disease recessive intermediate C. Also called: CHARCOT-MARIE-TOOTH NEUROPATHY, RECESSIVE INTERMEDIATE C. Identifiers: Orphanet 369867, MedGen C3809309, MONDO:0014154, OMIM 615376.

Allele frequency attached by ClinVar (database versions not stated): gnomAD 0.00001; gnomAD exomes 0.00001; TOPMed 0.00002; ExAC 0.00003; ESP Exome Variant Server 0.00008.
gnomAD v4.1: 18 of 1,611,474 alleles (0.0011%); highest among the groups gnomAD compares: Middle Eastern, 0.016%; no homozygotes.

Submissions (2):

Labcorp Genetics (formerly Invitae), Labcorp
Classification: Likely benign for Neuronopathy, distal hereditary motor, autosomal recessive 4; Charcot-Marie-Tooth disease recessive intermediate C. Last evaluated: 2024-07-06. Review status: criteria provided, single submitter. Criteria: Invitae Variant Classification Sherloc (09022015). Collection method: clinical testing. Allele origin: germline.

GeneDx
Classification: Likely benign. Last evaluated: 2016-10-04. Review status: criteria provided, single submitter. Criteria: GeneDx Variant Classification (06012015). Collection method: clinical testing. Allele origin: germline. Affected: yes.
Comment: This variant is considered likely benign or benign based on one or more of the following criteria: it is a conservative change, it occurs at a poorly conserved position in the protein, it is predicted to be benign by multiple in silico algorithms, and/or has population frequency not consistent with disease.